The following is an entry in ClinVar:

NM_182895.5(SCARF2):c.1517G>A (p.Arg506Lys)

Gene: SCARF2 (scavenger receptor class F member 2; minus strand). Cytogenetic location: 22q11.21.
Variant type: single nucleotide variant.
Coding change: c.1517G>A on transcript NM_182895.5 (MANE Select); coding-DNA position 1517, G replaced by A.
Protein change: p.Arg506Lys; replaces arginine 506 with lysine.
Molecular consequence: missense variant.
Genome position (GRCh38, 1-based): chr22:20,429,248, C>T on the plus strand (G>A on the coding strand, the complement: SCARF2 is on the minus strand). VCF-style: chr22-20429248-C-T. GRCh37 (hg19) VCF-style: chr22-20783535-C-T.
Other names: c.1532G>A, p.Arg511Lys (NM_153334.7); short protein forms R511K, R506K.
Identifiers: ClinVar variation 1360460 (VCV001360460.6), dbSNP rs759078205, ClinGen allele CA10112356.

ClinVar aggregate classification (germline): Uncertain significance (1 of 4 stars; one submission).

Allele frequency attached by ClinVar (database versions not stated): gnomAD exomes below 0.00001; ExAC 0.00001.
gnomAD v4.1: 1 of 1,613,972 alleles (0.000062%); highest among the groups gnomAD compares: Non-Finnish European, 0.000085%; no homozygotes.

Submission:

Labcorp Genetics (formerly Invitae), Labcorp
Classification: Uncertain significance. Last evaluated: 2021-11-13. Review status: criteria provided, single submitter. Criteria: Invitae Variant Classification Sherloc (09022015). Collection method: clinical testing. Allele origin: germline.
Comment: This sequence change replaces arginine, which is basic and polar, with lysine, which is basic and polar, at codon 511 of the SCARF2 protein (p.Arg511Lys). In summary, the available evidence is currently insufficient to determine the role of this variant in disease. Therefore, it has been classified as a Variant of Uncertain Significance. This variant is present in population databases (rs759078205, gnomAD 0.0009%). This variant has not been reported in the literature in individuals affected with SCARF2-related conditions. Algorithms developed to predict the effect of missense changes on protein structure and function are either unavailable or do not agree on the potential impact of this missense change (SIFT: "Tolerated"; PolyPhen-2: "Probably Damaging"; Align-GVGD: "Class C0").